The following is an entry in ClinVar:

ClinVar aggregate classification (germline): Benign. Review status: criteria provided, multiple submitters, no conflicts (2 of 4 stars). 3 submissions from 3 submitters: Benign (3). Last evaluated 2018-11-10.

Conditions:
Spermatogenic failure 7. Also called: MALE INFERTILITY, NONSYNDROMIC, AUTOSOMAL RECESSIVE. Identifiers: Orphanet 276234, MedGen C2751811, MONDO:0013070, OMIM 612997.

Allele frequency attached by ClinVar (database versions not stated): ExAC 0.15605; ESP Exome Variant Server 0.17200; gnomAD exomes 0.15243; 1000 Genomes Project 30x 0.16068; 1000 Genomes Project 0.16254; TOPMed 0.16939; gnomAD 0.17026 and 0.17199.
gnomAD v4.1: 250,496 of 1,613,442 alleles (16%); highest among the groups gnomAD compares: Middle Eastern, 24%; 20,286 homozygotes.

Submissions (3):

GeneDx
Classification: Benign. Last evaluated: 2018-11-10. Review status: criteria provided, single submitter. Criteria: GeneDx Variant Classification Process June 2021. Collection method: clinical testing. Allele origin: germline. Affected: yes.

Illumina Laboratory Services, Illumina
Classification: Benign for Spermatogenic failure 7. Last evaluated: 2018-01-13. Review status: criteria provided, single submitter. Criteria: ICSL Variant Classification Criteria 13 December 2019. Collection method: clinical testing. Allele origin: germline.
Comment: This variant was observed in the ICSL laboratory as part of a predisposition screen in an ostensibly healthy population. It had not been previously curated by ICSL or reported in the Human Gene Mutation Database (HGMD: prior to June 1st, 2018), and was therefore a candidate for classification through an automated scoring system. Utilizing variant allele frequency, disease prevalence and penetrance estimates, and inheritance mode, an automated score was calculated to assess if this variant is too frequent to cause the disease. Based on the score and internal cut-off values, a variant classified as benign is not then subjected to further curation. The score for this variant resulted in a classification of benign for this disease.

Breakthrough Genomics
Classification: Benign. Review status: criteria provided, single submitter. Criteria: ACMG Guidelines, 2015. Collection method: not provided. Allele origin: germline. Inheritance: Autosomal recessive inheritance. Affected: yes.

NM_053054.4(CATSPER1):c.2070C>T (p.Ala690=)

Gene: CATSPER1 (cation channel sperm associated 1; minus strand). Cytogenetic location: 11q13.1.
Variant type: single nucleotide variant.
Coding change: c.2070C>T on transcript NM_053054.4 (MANE Select); coding-DNA position 2070, C replaced by T.
Protein change: p.Ala690=; no amino-acid change (alanine 690 retained).
Molecular consequence: synonymous variant.
Genome position (GRCh38, 1-based): chr11:66,020,195, G>A on the plus strand (C>T on the coding strand, the complement: CATSPER1 is on the minus strand). VCF-style: chr11-66020195-G-A. GRCh37 (hg19) VCF-style: chr11-65787666-G-A.
Identifiers: ClinVar variation 305419 (VCV000305419.9), dbSNP rs3829937, ClinGen allele CA6114431.